The following is an entry in ClinVar:

ClinVar aggregate classification (germline): Uncertain significance (1 of 4 stars; one submission).

Conditions:
Hyperphosphatasia with impaired intellectual development syndrome 2. Also called: Hyperphosphatasia with intellectual disability syndrome 2; GLYCOSYLPHOSPHATIDYLINOSITOL BIOSYNTHESIS DEFECT 6. Identifiers: Orphanet 247262, MedGen C3553637, MONDO:0013882, OMIM 614749.

Allele frequency attached by ClinVar (database versions not stated): gnomAD exomes below 0.00001.
gnomAD v4.1: 1 of 1,614,216 alleles (0.000062%); highest among the groups gnomAD compares: Non-Finnish European, 0.000085%; no homozygotes.

Submission:

Center for Genomics, Ann and Robert H. Lurie Children's Hospital of Chicago
Classification: Uncertain significance for Hyperphosphatasia with impaired intellectual development syndrome 2. Last evaluated: 2021-03-30. Review status: criteria provided, single submitter. Criteria: ACMG Guidelines, 2015. Collection method: clinical testing. Allele origin: germline.
Comment: PIGO NM_032634.3 exon 9B p.Val796= (c.2388G>A): This variant has not been reported in the literature and is not present in large control databases. Evolutionary conservation and computational predictive tools for this variant are limited or unavailable. Of note, this variant is a silent variant and does not change the amino acid, reducing the probability that this variant is disease causing. In summary, data on this variant is insufficient for disease classification. Therefore, the clinical significance of this variant is uncertain.

NM_032634.4(PIGO):c.2388G>A (p.Val796=)

Gene: PIGO (phosphatidylinositol glycan anchor biosynthesis class O; minus strand). Cytogenetic location: 9p13.3.
Variant type: single nucleotide variant.
Coding change: c.2388G>A on transcript NM_032634.4 (MANE Select); coding-DNA position 2388, G replaced by A.
Protein change: p.Val796=; no amino-acid change (valine 796 retained).
Molecular consequence: synonymous variant. On other transcripts: intron variant (2).
Genome position (GRCh38, 1-based): chr9:35,091,499, C>T on the plus strand (G>A on the coding strand, the complement: PIGO is on the minus strand). VCF-style: chr9-35091499-C-T. GRCh37 (hg19) VCF-style: chr9-35091496-C-T.
Other names: c.1345-208G>A (NM_152850.4, NM_001201484.2).
Identifiers: ClinVar variation 625993 (VCV000625993.2), dbSNP rs1563995829, ClinGen allele CA464603098.